The following is an entry in ClinVar:

NM_006852.6(TLK2):c.-6+217G>A

Genes: TLK2 (tousled like kinase 2; plus strand), LOC130061370 (ATAC-STARR-seq lymphoblastoid silent region 8808; plus strand). Cytogenetic location: 17q23.2.
Variant type: single nucleotide variant.
Coding change: c.-6+217G>A on transcript NM_006852.6 (MANE Select); 217 bases into the intron after 6 bases upstream of the start codon, G replaced by A.
Molecular consequence: intron variant. On other transcripts: nonsense (1).
Genome position (GRCh38, 1-based): chr17:62,479,507, G>A. VCF-style: chr17-62479507-G-A. GRCh37 (hg19) VCF-style: chr17-60556868-G-A.
Other names: c.30G>A, p.Trp10Ter (NM_001375269.1); c.-3+1426G>A (NM_001375271.1, NM_001438204.1); c.-500+217G>A (NM_001375273.1); c.-3+217G>A (NM_001375270.1, NM_001375272.1, NM_001411074.1 and 1 more transcripts); c.-503+217G>A (NM_001330418.3); c.-6+217G>A (NM_001438205.1, NM_001438203.1); short protein forms W10*.
Identifiers: ClinVar variation 4883353 (VCV004883353.2).

ClinVar aggregate classification (germline): Uncertain significance (1 of 4 stars; one submission).

Conditions:
Complex neurodevelopmental disorder. Identifiers: Orphanet 528084, MedGen C5568766, MONDO:0100038.

gnomAD v4.1: 15 of 152,080 alleles (0.0099%); highest among the groups gnomAD compares: African/African-American, 0.036%; no homozygotes.

Submission:

Dasa
Classification: Uncertain significance for Complex neurodevelopmental disorder. Last evaluated: 2026-02-16. Review status: criteria provided, single submitter. Criteria: DASA Assertion Criteria. Collection method: clinical testing. Allele origin: germline.
Comment: NM_001375269.1(TLK2):c.30G>A (p.Trp10*) is a nonsense variant in TLK2 predicted to introduce a premature termination codon. This variant is rare in population databases. The currently available literature and clinical evidence are not sufficient to establish a definitive association between this variant and the reported condition. Therefore, this variant is classified as a variant of uncertain significance.